The following is an entry in ClinVar:

ClinVar aggregate classification (germline): Likely benign. Review status: criteria provided, multiple submitters, no conflicts (2 of 4 stars). 2 submissions from 2 submitters: Likely benign (2). Last evaluated 2024-05-16.

Conditions:
Familial cancer of breast. Also called: Hereditary breast cancer; BREAST CANCER, FAMILIAL; hereditary breast carcinoma. Identifiers: Orphanet 227535, MedGen C0346153, MONDO:0016419, OMIM 114480. Disease mechanism: loss of function.
Ataxia-telangiectasia syndrome (AT). Also called: Ataxia telangiectasia (A-T); Cerebello-oculocutaneous telangiectasia; Immunodeficiency with ataxia telangiectasia; ATAXIA-TELANGIECTASIA, FRESNO VARIANT; LOUIS-BAR SYNDROME; Ataxia-telangiectasia, complementation group D. Identifiers: Orphanet 100, MedGen C0004135, MONDO:0008840, OMIM 208900.

Submissions (2):

Myriad Genetics, Inc.
Classification: Likely benign for Familial cancer of breast. Last evaluated: 2024-05-16. Review status: criteria provided, single submitter. Criteria: Myriad Autosomal Dominant, Autosomal Recessive and X-Linked Classification Criteria (2023). Collection method: clinical testing. Allele origin: unknown.
Comment: This variant is considered likely benign. This variant is intronic and is not expected to impact mRNA splicing.

Labcorp Genetics (formerly Invitae), Labcorp
Classification: Likely benign for Ataxia-telangiectasia syndrome. Last evaluated: 2022-11-29. Review status: criteria provided, single submitter. Criteria: Invitae Variant Classification Sherloc (09022015). Collection method: clinical testing. Allele origin: germline.

NM_000051.4(ATM):c.4110-14C>T

Gene: ATM (ATM serine/threonine kinase; plus strand). Cytogenetic location: 11q22.3.
Variant type: single nucleotide variant.
Coding change: c.4110-14C>T on transcript NM_000051.4 (MANE Select); 14 bases into the intron before coding-DNA position 4110, C replaced by T.
Molecular consequence: intron variant.
Genome position (GRCh38, 1-based): chr11:108,288,963, C>T. VCF-style: chr11-108288963-C-T. GRCh37 (hg19) VCF-style: chr11-108159690-C-T.
Other names: c.4110-14C>T (NM_001351834.2).
Identifiers: ClinVar variation 2795783 (VCV002795783.4), dbSNP rs2135749880, ClinGen allele CA2725179298.
Genomic context (GRCh38, chr11:108,288,963, plus strand): 5'-ATTTTGGAAGTTCACTGGTCTATGAACAAAACTTTTTAAAACGATGACTGTATTTTTTCC[C>T]TTAACTCTGTTAGGGATTTGGATCCTGCTCCTAATCCACCTCATTTTCCATCGCATGTGA-3'